The following is an entry in ClinVar:

NM_181552.4(CUX1):c.2752C>T (p.Pro918Ser)

Gene: CUX1 (cut like homeobox 1; plus strand). Cytogenetic location: 7q22.1.
Variant type: single nucleotide variant.
Coding change: c.2752C>T on transcript NM_181552.4 (MANE Select); coding-DNA position 2752, C replaced by T.
Protein change: p.Pro918Ser; replaces proline 918 with serine.
Molecular consequence: missense variant. On other transcripts: intron variant (5).
Genome position (GRCh38, 1-based): chr7:102,202,049, C>T. VCF-style: chr7-102202049-C-T. GRCh37 (hg19) VCF-style: chr7-101845329-C-T.
Other names: c.2785C>T, p.Pro929Ser (NM_001202543.2); c.1255+6446C>T (NM_001913.5); c.1249+6446C>T (NM_181500.4); c.1117+6446C>T (NM_001202545.3); c.1207+6446C>T (NM_001202544.3); c.1138+6446C>T (NM_001202546.3); short protein forms P918S, P929S.
Identifiers: ClinVar variation 2229664 (VCV002229664.2), dbSNP rs782557181, ClinGen allele CA4411142.

ClinVar aggregate classification (germline): Uncertain significance (1 of 4 stars; one submission).

Conditions:
Inborn genetic diseases. Identifiers: MedGen C0950123, MeSH D030342.

Allele frequency attached by ClinVar (database versions not stated): TOPMed below 0.00001; ExAC 0.00001; gnomAD 0.00001; gnomAD exomes 0.00001.
gnomAD v4.1: 5 of 1,614,054 alleles (0.00031%); highest among the groups gnomAD compares: Admixed American, 0.0067%; no homozygotes.

Submission:

Ambry Genetics
Classification: Uncertain significance for Inborn genetic diseases. Last evaluated: 2021-03-18. Review status: criteria provided, single submitter. Criteria: Ambry Variant Classification Scheme 2023. Collection method: clinical testing. Allele origin: germline.
Comment: The c.2785C>T (p.P929S) alteration is located in exon 18 (coding exon 18) of the CUX1 gene. This alteration results from a C to T substitution at nucleotide position 2785, causing the proline (P) at amino acid position 929 to be replaced by a serine (S). The p.P929S alteration is predicted to be tolerated by in silico analysis. Based on insufficient or conflicting evidence, the clinical significance of this alteration remains unclear.